The following is an entry in ClinVar:

NM_002618.4(PEX13):c.592del (p.Met198fs)

Gene: PEX13 (peroxisomal biogenesis factor 13; plus strand). Cytogenetic location: 2p15.
Variant type: Deletion.
Coding change: c.592del on transcript NM_002618.4 (MANE Select); coding-DNA position 592, one base deleted (A; older notation c.592delA).
Protein change: p.Met198fs; shifts the reading frame from methionine 198.
Molecular consequence: frameshift variant.
Genome position (GRCh38, 1-based): chr2:61,031,918, A deleted. VCF-style (leftmost placement, unchanged base first): chr2-61031917-GA-G. GRCh37 (hg19) VCF-style: chr2-61259052-GA-G.
Other names: short protein forms M198fs.
Identifiers: ClinVar variation 4733096 (VCV004733096.1).
Genomic context (GRCh38, chr2:61,031,917, plus strand): 5'-AGTGTTTTCAGCTTTTGCATTGGTTAGGACTATACGGTATCTTTACAGACGGCTACAGCG[GA>G]TGTTAGGTTTAAGAAGAGGCTCTGAGAATGAAGACCTCTGGGCAGAGAGTGAAGGAACTG-3'

ClinVar aggregate classification (germline): Pathogenic (1 of 4 stars; one submission).

Conditions:
Peroxisome biogenesis disorder 11A (Zellweger). Also called: Peroxisome biogenesis disorder 11A. Identifiers: Orphanet 912, MedGen C3554000, MONDO:0013949, OMIM 614883.

Submission:

Labcorp Genetics (formerly Invitae), Labcorp
Classification: Pathogenic for Peroxisome biogenesis disorder 11A (Zellweger). Last evaluated: 2025-12-13. Review status: criteria provided, single submitter. Criteria: Invitae Variant Classification Sherloc (09022015). Collection method: clinical testing. Allele origin: germline.
Comment: This sequence change creates a premature translational stop signal (p.Met198Cysfs*2) in the PEX13 gene. It is expected to result in an absent or disrupted protein product. Loss-of-function variants in PEX13 are known to be pathogenic (PMID: 10332040, 21031596). This variant is not present in population databases (gnomAD no frequency). This variant has not been reported in the literature in individuals affected with PEX13-related conditions. For these reasons, this variant has been classified as Pathogenic.

Literature cited by the submitters: PubMed 10332040; PubMed 21031596.